The following is an entry in ClinVar:

ClinVar aggregate classification (germline): Uncertain significance (1 of 4 stars; one submission).

Conditions:
Dextro-looped transposition of the great arteries. Also called: Dextrotransposition of the great arteries. Identifiers: Orphanet 860, MedGen C3531771, MONDO:0019443, OMIM 608808, HP:0031348.

gnomAD v4.1: 1 of 1,614,200 alleles (0.000062%); highest among the groups gnomAD compares: Non-Finnish European, 0.000085%; no homozygotes.

Submission:

Labcorp Genetics (formerly Invitae), Labcorp
Classification: Uncertain significance for Dextro-looped transposition of the great arteries. Last evaluated: 2022-11-01. Review status: criteria provided, single submitter. Criteria: Invitae Variant Classification Sherloc (09022015). Collection method: clinical testing. Allele origin: germline.
Comment: This variant is not present in population databases (gnomAD no frequency). This sequence change replaces proline, which is neutral and non-polar, with serine, which is neutral and polar, at codon 1547 of the MED13L protein (p.Pro1547Ser). In summary, the available evidence is currently insufficient to determine the role of this variant in disease. Therefore, it has been classified as a Variant of Uncertain Significance. Advanced modeling of protein sequence and biophysical properties (such as structural, functional, and spatial information, amino acid conservation, physicochemical variation, residue mobility, and thermodynamic stability) performed at Invitae indicates that this missense variant is not expected to disrupt MED13L protein function. This variant has not been reported in the literature in individuals affected with MED13L-related conditions.

NM_015335.5(MED13L):c.4639C>T (p.Pro1547Ser)

Gene: MED13L (mediator complex subunit 13L; minus strand). Cytogenetic location: 12q24.21.
Variant type: single nucleotide variant.
Coding change: c.4639C>T on transcript NM_015335.5 (MANE Select); coding-DNA position 4639, C replaced by T.
Protein change: p.Pro1547Ser; replaces proline 1547 with serine.
Molecular consequence: missense variant.
Genome position (GRCh38, 1-based): chr12:115,983,433, G>A on the plus strand (C>T on the coding strand, the complement: MED13L is on the minus strand). VCF-style: chr12-115983433-G-A. GRCh37 (hg19) VCF-style: chr12-116421238-G-A.
Other names: short protein forms P1547S.
Identifiers: ClinVar variation 1718278 (VCV001718278.6), dbSNP rs1877474653, ClinGen allele CA386883187.